The following is an entry in ClinVar:

ClinVar aggregate classification (germline): Uncertain significance (1 of 4 stars; one submission).

Conditions:
Distal hereditary motor neuropathy type 2. Identifiers: Orphanet 139525, MedGen C3711384, MeSH C580044, MONDO:0015352.

gnomAD v4.1: 1 of 1,613,850 alleles (0.000062%); highest among the groups gnomAD compares: Non-Finnish European, 0.000085%; no homozygotes.

Submission:

Labcorp Genetics (formerly Invitae), Labcorp
Classification: Uncertain significance for Distal hereditary motor neuropathy type 2. Last evaluated: 2024-04-25. Review status: criteria provided, single submitter. Criteria: Invitae Variant Classification Sherloc (09022015). Collection method: clinical testing. Allele origin: germline.
Comment: This sequence change replaces isoleucine, which is neutral and non-polar, with threonine, which is neutral and polar, at codon 482 of the FBXO38 protein (p.Ile482Thr). This variant is not present in population databases (gnomAD no frequency). This variant has not been reported in the literature in individuals affected with FBXO38-related conditions. Advanced modeling of protein sequence and biophysical properties (such as structural, functional, and spatial information, amino acid conservation, physicochemical variation, residue mobility, and thermodynamic stability) performed at Invitae indicates that this missense variant is expected to disrupt FBXO38 protein function with a positive predictive value of 80%. In summary, the available evidence is currently insufficient to determine the role of this variant in disease. Therefore, it has been classified as a Variant of Uncertain Significance.

NM_205836.3(FBXO38):c.1445T>C (p.Ile482Thr)

Gene: FBXO38 (F-box protein 38; plus strand). Cytogenetic location: 5q32.
Variant type: single nucleotide variant.
Coding change: c.1445T>C on transcript NM_205836.3 (MANE Select); coding-DNA position 1445, T replaced by C.
Protein change: p.Ile482Thr; replaces isoleucine 482 with threonine.
Molecular consequence: missense variant.
Genome position (GRCh38, 1-based): chr5:148,417,031, T>C. VCF-style: chr5-148417031-T-C. GRCh37 (hg19) VCF-style: chr5-147796594-T-C.
Other names: c.1445T>C, p.Ile482Thr (NM_001271723.2, NM_030793.5); short protein forms I482T.
Identifiers: ClinVar variation 3693377 (VCV003693377.2).